The following is an entry in ClinVar:

ClinVar aggregate classification (germline): Conflicting classifications of pathogenicity. Review status: criteria provided, conflicting classifications (1 of 4 stars). 2 submissions from 2 submitters: Uncertain significance (1); Likely benign (1). Last evaluated 2025-03-31.

Conditions:
Gorlin syndrome. Also called: Basal cell nevus syndrome; Nevoid Basal Cell Carcinoma Syndrome. Identifiers: Orphanet 377, MedGen C0004779, MONDO:0007187.
Hereditary cancer-predisposing syndrome. Also called: Tumor predisposition; Hereditary Cancer Syndrome; Hereditary neoplastic syndrome; Neoplastic Syndromes, Hereditary. Identifiers: Orphanet 140162, MedGen C0027672, MeSH D009386, MONDO:0015356.

Allele frequency attached by ClinVar (database versions not stated): ESP Exome Variant Server 0.00008.
gnomAD v4.1: 2 of 1,614,204 alleles (0.00012%); highest among the groups gnomAD compares: African/African-American, 0.0013%; no homozygotes.

Submissions (2):

Ambry Genetics
Classification: Uncertain significance for Hereditary cancer-predisposing syndrome. Last evaluated: 2025-03-31. Review status: criteria provided, single submitter. Criteria: Ambry Variant Classification Scheme 2023. Collection method: clinical testing. Allele origin: germline.
Comment: The p.L777F variant (also known as c.2329C>T), located in coding exon 15 of the PTCH1 gene, results from a C to T substitution at nucleotide position 2329. The leucine at codon 777 is replaced by phenylalanine, an amino acid with highly similar properties. This amino acid position is conserved. In addition, the in silico prediction for this alteration is inconclusive. Based on the available evidence, the clinical significance of this variant remains unclear.

Labcorp Genetics (formerly Invitae), Labcorp
Classification: Likely benign for Gorlin syndrome. Last evaluated: 2024-07-26. Review status: criteria provided, single submitter. Criteria: Invitae Variant Classification Sherloc (09022015). Collection method: clinical testing. Allele origin: germline.

NM_000264.5(PTCH1):c.2329C>T (p.Leu777Phe)

Genes: PTCH1 (patched 1; minus strand), LOC100507346 (uncharacterized LOC100507346; plus strand). Cytogenetic location: 9q22.32.
Variant type: single nucleotide variant.
Coding change: c.2329C>T on transcript NM_000264.5 (MANE Select); coding-DNA position 2329, C replaced by T.
Protein change: p.Leu777Phe; replaces leucine 777 with phenylalanine.
Molecular consequence: missense variant. On other transcripts: non-coding transcript variant (1).
Genome position (GRCh38, 1-based): chr9:95,467,347, G>A on the plus strand (C>T on the coding strand, the complement: PTCH1 is on the minus strand). VCF-style: chr9-95467347-G-A. GRCh37 (hg19) VCF-style: chr9-98229629-G-A.
Other names: c.2131C>T, p.Leu711Phe (NM_001083602.3); c.2326C>T, p.Leu776Phe (NM_001083603.3); c.1876C>T, p.Leu626Phe (NM_001083604.3, NM_001083605.3, NM_001083606.3 and 1 more transcripts); c.2173C>T, p.Leu725Phe (NM_001354918.2); short protein forms L626F, L725F, L711F, L776F, L777F.
Identifiers: ClinVar variation 2062029 (VCV002062029.5), dbSNP rs376799601, ClinGen allele CA5138412.